The following is an entry in ClinVar:

ClinVar aggregate classification (germline): Conflicting classifications of pathogenicity. Review status: criteria provided, conflicting classifications (1 of 4 stars). 3 submissions from 3 submitters: Likely risk allele (1); Uncertain significance (1). 1 of the submissions does not count toward it. Last evaluated 2021-02-13.

Conditions:
Hyperuricemic nephropathy, familial juvenile type 3. Identifiers: MedGen C3280216, MONDO:0013643, OMIM 614227.
Maturity-onset diabetes of the young (MODY). Also called: Maturity onset diabetes mellitus in young. Identifiers: Orphanet 552, MedGen C0342276, MONDO:0018911, HP:0004904.

Submissions (3):

Labcorp Genetics (formerly Invitae), Labcorp
Classification: Uncertain significance. Last evaluated: 2021-02-13. Review status: criteria provided, single submitter. Criteria: Invitae Variant Classification Sherloc (09022015). Collection method: clinical testing. Allele origin: germline.
Comment: This sequence change replaces histidine with arginine at codon 153 of the HNF1B protein (p.His153Arg). The histidine residue is highly conserved and there is a small physicochemical difference between histidine and arginine. This variant is not present in population databases (ExAC no frequency). This variant has not been reported in the literature in individuals with HNF1B-related conditions. ClinVar contains an entry for this variant (Variation ID: 636234). Advanced modeling of protein sequence and biophysical properties (such as structural, functional, and spatial information, amino acid conservation, physicochemical variation, residue mobility, and thermodynamic stability) performed at Invitae indicates that this missense variant is expected to disrupt HNF1B protein function. In summary, the available evidence is currently insufficient to determine the role of this variant in disease. Therefore, it has been classified as a Variant of Uncertain Significance.

Clinical Genomics, Uppaluri K&H Personalized Medicine Clinic
Classification: Likely risk allele for Maturity-onset diabetes of the young. Review status: criteria provided, single submitter. Criteria: K & H Uppaluri Personalized Medicine Clinic Variant Classification & Assertion Criteria_Updated V.1. Collection method: research. Allele origin: unknown. Inheritance: Autosomal dominant inheritance.
Comment: HNF1B gene mutations are associated with early onset diabetes and pancreatic atrophy. It is also associated with multiple renal manifestations including renal cysts, Tubulointerstitial disease, glomerulocystic disease, renal hypoplasia, hypomagnesemia. However no sufficient evidence is found to ascertain the role of this particular variant rs1598848762, yet.

Institute of Human Genetics, Cologne University
Classification: Likely pathogenic for Hyperuricemic nephropathy, familial juvenile type 3. Review status: no assertion criteria provided. Collection method: clinical testing. Allele origin: de novo. Affected: yes. Observed: 1 heterozygote. Not counted in ClinVar's aggregate classification.

Literature cited by the submitters: PubMed 24897035 (cited by Clinical Genomics, Uppaluri K&H Personalized Medicine Clinic); PubMed 25536396 (cited by Clinical Genomics, Uppaluri K&H Personalized Medicine Clinic); PubMed 27615128 (cited by Clinical Genomics, Uppaluri K&H Personalized Medicine Clinic); PubMed 28215227 (cited by Clinical Genomics, Uppaluri K&H Personalized Medicine Clinic); PubMed 33434175 (cited by Clinical Genomics, Uppaluri K&H Personalized Medicine Clinic); PubMed 25741167 (cited by Clinical Genomics, Uppaluri K&H Personalized Medicine Clinic); PubMed 26340261 (cited by Clinical Genomics, Uppaluri K&H Personalized Medicine Clinic); PubMed 19639018 (cited by Clinical Genomics, Uppaluri K&H Personalized Medicine Clinic).

NM_000458.4(HNF1B):c.458A>G (p.His153Arg)

Gene: HNF1B (HNF1 homeobox B; minus strand). Cytogenetic location: 17q12.
Variant type: single nucleotide variant.
Coding change: c.458A>G on transcript NM_000458.4 (MANE Select); coding-DNA position 458, A replaced by G.
Protein change: p.His153Arg; replaces histidine 153 with arginine.
Molecular consequence: missense variant.
Genome position (GRCh38, 1-based): chr17:37,739,526, T>C on the plus strand (A>G on the coding strand, the complement: HNF1B is on the minus strand). VCF-style: chr17-37739526-T-C. GRCh37 (hg19) VCF-style: chr17-36099517-T-C.
Other names: c.458A>G, p.His153Arg (NM_001165923.4, NM_001304286.2); short protein forms H153R.
Identifiers: ClinVar variation 636234 (VCV000636234.9), dbSNP rs1598848762, ClinGen allele CA398751376.